The following is an entry in ClinVar:

ClinVar aggregate classification (germline): Pathogenic. Review status: criteria provided, multiple submitters, no conflicts (2 of 4 stars). 2 submissions from 2 submitters: Pathogenic (2). Last evaluated 2025-03-10.

Conditions:
Fanconi anemia (FA). Also called: Fanconi's anemia. Identifiers: Orphanet 84, MedGen C0015625, MeSH D005199, MONDO:0019391.
Fanconi anemia complementation group A (FANCA). Also called: Fanconi anemia, group A; FANCA-Related Fanconi Anemia. Identifiers: Orphanet 84, MedGen C3469521, MONDO:0009215, OMIM 227650.

Submissions (2):

Labcorp Genetics (formerly Invitae), Labcorp
Classification: Pathogenic for Fanconi anemia. Last evaluated: 2025-03-10. Review status: criteria provided, single submitter. Criteria: Invitae Variant Classification Sherloc (09022015). Collection method: clinical testing. Allele origin: germline.
Comment: This sequence change creates a premature translational stop signal (p.Gly246Aspfs*8) in the FANCA gene. It is expected to result in an absent or disrupted protein product. Loss-of-function variants in FANCA are known to be pathogenic (PMID: 19367192). This variant is not present in population databases (gnomAD no frequency). This variant has not been reported in the literature in individuals affected with FANCA-related conditions. ClinVar contains an entry for this variant (Variation ID: 1431529). For these reasons, this variant has been classified as Pathogenic.

Myriad Genetics, Inc.
Classification: Pathogenic for Fanconi anemia complementation group A. Last evaluated: 2024-12-21. Review status: criteria provided, single submitter. Criteria: Myriad Autosomal Dominant, Autosomal Recessive and X-Linked Classification Criteria (2023). Collection method: clinical testing. Allele origin: unknown.
Comment: NM_000135.2(FANCA):c.737delG(G246Dfs*8) is expected to be pathogenic in the context of Fanconi anemia complementation group A. This variant is predicted to lead to an abnormal or absent protein product due to the creation of a premature termination codon in FANCA, a gene where loss-of-function variants are known to be pathogenic. Please note: this variant was assessed in the context of healthy population screening.

Literature cited by the submitters: PubMed 19367192 (cited by Labcorp Genetics (formerly Invitae), Labcorp).

NM_000135.4(FANCA):c.737del (p.Gly246fs)

Gene: FANCA (FA complementation group A; minus strand). Cytogenetic location: 16q24.3.
Variant type: Deletion.
Coding change: c.737del on transcript NM_000135.4 (MANE Select); coding-DNA position 737, one base deleted (G; older notation c.737delG).
Protein change: p.Gly246fs; shifts the reading frame from glycine 246.
Molecular consequence: frameshift variant.
Genome position (GRCh38, 1-based): chr16:89,803,314, C deleted on the plus strand (G on the coding strand, the reverse complement: FANCA is on the minus strand); the first of 4 consecutive C bases (chr16:89,803,314-89,803,317); deleting any one gives the same sequence. VCF-style (leftmost placement, unchanged base first): chr16-89803313-TC-T. GRCh37 (hg19) VCF-style: chr16-89869721-TC-T.
Other names: c.737del, p.Gly246fs (NM_001018112.3, NM_001286167.3); c.641del, p.Gly214fs (NM_001351830.2); short protein forms G214fs, G246fs.
Identifiers: ClinVar variation 1431529 (VCV001431529.7), dbSNP rs2143615845, ClinGen allele CA2573152785.